The following is an entry in ClinVar:

ClinVar aggregate classification (germline): Uncertain significance. Review status: criteria provided, multiple submitters, no conflicts (2 of 4 stars). 3 submissions from 3 submitters: Uncertain significance (3). Last evaluated 2025-01-13.

Conditions:
Hyperekplexia 3 (HKPX3). Also called: HYPEREKPLEXIA 3, AUTOSOMAL RECESSIVE; HYPEREKPLEXIA 3, AUTOSOMAL DOMINANT. Identifiers: Orphanet 3197, MedGen C3553288, MONDO:0013827, OMIM 614618.
Inborn genetic diseases. Identifiers: MedGen C0950123, MeSH D030342.

Allele frequency attached by ClinVar (database versions not stated): gnomAD exomes 0.00006; gnomAD 0.00009 and 0.00010; ESP Exome Variant Server 0.00023; TOPMed 0.00024.

Submissions (3):

Labcorp Genetics (formerly Invitae), Labcorp
Classification: Uncertain significance for Hyperekplexia 3. Last evaluated: 2025-01-13. Review status: criteria provided, single submitter. Criteria: Invitae Variant Classification Sherloc (09022015). Collection method: clinical testing. Allele origin: germline.
Comment: This sequence change replaces arginine, which is basic and polar, with cysteine, which is neutral and slightly polar, at codon 766 of the SLC6A5 protein (p.Arg766Cys). This variant is present in population databases (rs141654146, gnomAD 0.03%). This missense change has been observed in individual(s) with clinical features of SLC6A5-related conditions (internal data). ClinVar contains an entry for this variant (Variation ID: 580240). Invitae Evidence Modeling of protein sequence and biophysical properties (such as structural, functional, and spatial information, amino acid conservation, physicochemical variation, residue mobility, and thermodynamic stability) has been performed for this missense variant. However, the output from this modeling did not meet the statistical confidence thresholds required to predict the impact of this variant on SLC6A5 protein function. In summary, the available evidence is currently insufficient to determine the role of this variant in disease. Therefore, it has been classified as a Variant of Uncertain Significance.

Ambry Genetics
Classification: Uncertain significance for Inborn genetic diseases. Last evaluated: 2025-01-09. Review status: criteria provided, single submitter. Criteria: Ambry Variant Classification Scheme 2023. Collection method: clinical testing. Allele origin: germline.

GeneDx
Classification: Uncertain significance. Last evaluated: 2023-06-11. Review status: criteria provided, single submitter. Criteria: GeneDx Variant Classification Process June 2021. Collection method: clinical testing. Allele origin: germline. Affected: yes.
Comment: In silico analysis supports that this missense variant has a deleterious effect on protein structure/function; Has not been previously published as pathogenic or benign to our knowledge

NM_004211.5(SLC6A5):c.2296C>T (p.Arg766Cys)

Gene: SLC6A5 (solute carrier family 6 member 5; plus strand). Cytogenetic location: 11p15.1.
Variant type: single nucleotide variant.
Coding change: c.2296C>T on transcript NM_004211.5 (MANE Select); coding-DNA position 2296, C replaced by T.
Protein change: p.Arg766Cys; replaces arginine 766 with cysteine.
Molecular consequence: missense variant.
Genome position (GRCh38, 1-based): chr11:20,654,770, C>T. VCF-style: chr11-20654770-C-T. GRCh37 (hg19) VCF-style: chr11-20676316-C-T.
Other names: c.1594C>T, p.Arg532Cys (NM_001318369.2); short protein forms R766C, R532C.
Identifiers: ClinVar variation 580240 (VCV000580240.8), dbSNP rs141654146, ClinGen allele CA5921759.